The following is an entry in ClinVar:

ClinVar aggregate classification (germline): Benign. Review status: criteria provided, multiple submitters, no conflicts (2 of 4 stars). 4 submissions from 4 submitters: Benign (3). 1 of the submissions does not count toward it. Last evaluated 2026-04-01.

Conditions:
MED13L-related disorder. Also called: MED13L-related condition.
Dextro-looped transposition of the great arteries. Also called: Dextrotransposition of the great arteries. Identifiers: Orphanet 860, MedGen C3531771, MONDO:0019443, OMIM 608808, HP:0031348.

Allele frequency attached by ClinVar (database versions not stated): 1000 Genomes Project 30x 0.00297; 1000 Genomes Project 0.00300; TOPMed 0.00368; gnomAD 0.00391 and 0.00444; ESP Exome Variant Server 0.00408; ExAC 0.00422; gnomAD exomes 0.00425 and 0.00531.
gnomAD v4.1: 8,393 of 1,614,006 alleles (0.52%); highest among the groups gnomAD compares: Non-Finnish European, 0.58%; 26 homozygotes.

Submissions (4):

CeGaT Center for Human Genetics Tuebingen
Classification: Benign. Last evaluated: 2026-04-01. Review status: criteria provided, single submitter. Criteria: CeGaT Center For Human Genetics Tuebingen Variant Classification Criteria Version 2. Collection method: clinical testing. Allele origin: germline. Affected: yes. Observed: 18 variant alleles.
Comment: MED13L: BP4, BP7, BS1, BS2

Labcorp Genetics (formerly Invitae), Labcorp
Classification: Benign for Dextro-looped transposition of the great arteries. Last evaluated: 2026-01-19. Review status: criteria provided, single submitter. Criteria: Invitae Variant Classification Sherloc (09022015). Collection method: clinical testing. Allele origin: germline.

GeneDx
Classification: Benign. Last evaluated: 2019-10-18. Review status: criteria provided, single submitter. Criteria: GeneDx Variant Classification Process June 2021. Collection method: clinical testing. Allele origin: germline. Affected: yes.

PreventionGenetics, part of Exact Sciences
Classification: Benign for MED13L-related condition. Last evaluated: 2019-05-09. Review status: no assertion criteria provided. Collection method: clinical testing. Allele origin: germline. Not counted in ClinVar's aggregate classification.
Comment: This variant is classified as benign based on ACMG/AMP sequence variant interpretation guidelines (Richards et al. 2015 PMID: 25741868, with internal and published modifications).

NM_015335.5(MED13L):c.1863T>C (p.Ile621=)

Gene: MED13L (mediator complex subunit 13L; minus strand). Cytogenetic location: 12q24.21.
Variant type: single nucleotide variant.
Coding change: c.1863T>C on transcript NM_015335.5 (MANE Select); coding-DNA position 1863, T replaced by C.
Protein change: p.Ile621=; no amino-acid change (isoleucine 621 retained).
Molecular consequence: synonymous variant.
Genome position (GRCh38, 1-based): chr12:116,008,550, A>G on the plus strand (T>C on the coding strand, the complement: MED13L is on the minus strand). VCF-style: chr12-116008550-A-G. GRCh37 (hg19) VCF-style: chr12-116446355-A-G.
Identifiers: ClinVar variation 415970 (VCV000415970.46), dbSNP rs61748071, ClinGen allele CA6811343.
Genomic context (GRCh38, chr12:116,008,550, plus strand): 5'-ACTGGGTGGGAGACGATAACTATGCCACCACTTTTCTGATGACTCCGGGTTCGAGGGCCT[A>G]ATCCCACAATATAAGGCTGTCTCGCTGACCTCTGCCATGAGAGGCAGTCTTTGGCCTACG-3'
Protein context (NP_056150.1, residues 611-631): EVSETALYCG[Ile621=]RPSNPESSEK